The following is an entry in ClinVar:

ClinVar aggregate classification (germline): Likely benign (1 of 4 stars; one submission).

Submission:

CeGaT Center for Human Genetics Tuebingen
Classification: Likely benign. Last evaluated: 2026-07-01. Review status: criteria provided, single submitter. Criteria: CeGaT Center For Human Genetics Tuebingen Variant Classification Criteria Version 2. Collection method: clinical testing. Allele origin: germline. Affected: yes. Observed: 3 variant alleles.
Comment: MUC21: BP4, BP7

NM_001010909.5(MUC21):c.942A>T (p.Thr314=)

Genes: MUC21 (mucin 21, cell surface associated; plus strand), LOC126859647 (CDK7 strongly-dependent group 2 enhancer GRCh37_chr6:30954612-30955811; plus strand). Cytogenetic location: 6p21.33.
Variant type: single nucleotide variant.
Coding change: c.942A>T on transcript NM_001010909.5 (MANE Select); coding-DNA position 942, A replaced by T.
Protein change: p.Thr314=; no amino-acid change (threonine 314 retained).
Molecular consequence: synonymous variant. On other transcripts: non-coding transcript variant (1).
Genome position (GRCh38, 1-based): chr6:30,987,117, A>T. VCF-style: chr6-30987117-A-T. GRCh37 (hg19) VCF-style: chr6-30954894-A-T.
Other names: c.1032A>T, p.Thr344= (NM_001322370.2, NM_001322371.2).
Identifiers: ClinVar variation 2656363 (VCV002656363.24), dbSNP rs1180410451, ClinGen allele CA449782480.